The following is an entry in ClinVar:

ClinVar aggregate classification (germline): Uncertain significance (1 of 4 stars; one submission).

gnomAD v4.1: 2 of 1,613,994 alleles (0.00012%); highest among the groups gnomAD compares: Admixed American, 0.0017%; no homozygotes.

Submission:

Labcorp Genetics (formerly Invitae), Labcorp
Classification: Uncertain significance. Last evaluated: 2022-08-07. Review status: criteria provided, single submitter. Criteria: Invitae Variant Classification Sherloc (09022015). Collection method: clinical testing. Allele origin: germline.
Comment: In summary, the available evidence is currently insufficient to determine the role of this variant in disease. Therefore, it has been classified as a Variant of Uncertain Significance. Algorithms developed to predict the effect of missense changes on protein structure and function (SIFT, PolyPhen-2, Align-GVGD) all suggest that this variant is likely to be disruptive. This variant has not been reported in the literature in individuals affected with USH2A-related conditions. This variant is not present in population databases (gnomAD no frequency). This sequence change replaces cysteine, which is neutral and slightly polar, with tyrosine, which is neutral and polar, at codon 2221 of the USH2A protein (p.Cys2221Tyr).

NM_206933.4(USH2A):c.6662G>A (p.Cys2221Tyr)

Gene: USH2A (usherin; minus strand). Cytogenetic location: 1q41.
Variant type: single nucleotide variant.
Coding change: c.6662G>A on transcript NM_206933.4 (MANE Select); coding-DNA position 6662, G replaced by A.
Protein change: p.Cys2221Tyr; replaces cysteine 2221 with tyrosine.
Molecular consequence: missense variant.
Genome position (GRCh38, 1-based): chr1:215,993,163, C>T on the plus strand (G>A on the coding strand, the complement: USH2A is on the minus strand). VCF-style: chr1-215993163-C-T. GRCh37 (hg19) VCF-style: chr1-216166505-C-T.
Other names: short protein forms C2221Y.
Identifiers: ClinVar variation 1715476 (VCV001715476.5), dbSNP rs1345302133, ClinGen allele CA344860572.